The following is an entry in ClinVar:

NM_000057.4(BLM):c.4175C>T (p.Ala1392Val)

Gene: BLM (BLM RecQ like helicase; plus strand). Cytogenetic location: 15q26.1.
Variant type: single nucleotide variant.
Coding change: c.4175C>T on transcript NM_000057.4 (MANE Select); coding-DNA position 4175, C replaced by T.
Protein change: p.Ala1392Val; replaces alanine 1392 with valine.
Molecular consequence: missense variant.
Genome position (GRCh38, 1-based): chr15:90,815,200, C>T. VCF-style: chr15-90815200-C-T. GRCh37 (hg19) VCF-style: chr15-91358430-C-T.
Other names: c.4175C>T, p.Ala1392Val (NM_001287246.2); c.3782C>T, p.Ala1261Val (NM_001287247.2); c.3050C>T, p.Ala1017Val (NM_001287248.2); short protein forms A1392V, A1017V, A1261V.
Identifiers: ClinVar variation 1738445 (VCV001738445.5), dbSNP rs1397394866, ClinGen allele CA393852484.

ClinVar aggregate classification (germline): Uncertain significance. Review status: criteria provided, multiple submitters, no conflicts (2 of 4 stars). 2 submissions from 2 submitters: Uncertain significance (2). Last evaluated 2025-12-03.

Conditions:
Hereditary cancer-predisposing syndrome. Also called: Hereditary Cancer Syndrome; Hereditary neoplastic syndrome; Neoplastic Syndromes, Hereditary; Tumor predisposition. Identifiers: Orphanet 140162, MedGen C0027672, MeSH D009386, MONDO:0015356.
Bloom syndrome (BLM). Also called: Bloom-Torre-Machacek syndrome. Identifiers: Orphanet 125, MedGen C0005859, MONDO:0008876, OMIM 210900.

Allele frequency attached by ClinVar (database versions not stated): gnomAD 0.00001; TOPMed 0.00001.
gnomAD v4.1: 2 of 1,614,054 alleles (0.00012%); highest among the groups gnomAD compares: African/African-American, 0.0027%; no homozygotes.

Submissions (2):

Ambry Genetics
Classification: Uncertain significance for Hereditary cancer-predisposing syndrome. Last evaluated: 2025-12-03. Review status: criteria provided, single submitter. Criteria: Ambry Variant Classification Scheme 2023. Collection method: clinical testing. Allele origin: germline.

Labcorp Genetics (formerly Invitae), Labcorp
Classification: Uncertain significance for Bloom syndrome. Last evaluated: 2024-12-22. Review status: criteria provided, single submitter. Criteria: Invitae Variant Classification Sherloc (09022015). Collection method: clinical testing. Allele origin: germline.
Comment: This sequence change replaces alanine, which is neutral and non-polar, with valine, which is neutral and non-polar, at codon 1392 of the BLM protein (p.Ala1392Val). This variant is present in population databases (no rsID available, gnomAD 0.007%). This variant has not been reported in the literature in individuals affected with BLM-related conditions. ClinVar contains an entry for this variant (Variation ID: 1738445). An algorithm developed to predict the effect of missense changes on protein structure and function outputs the following: PolyPhen-2: "Benign". The valine amino acid residue is found in multiple mammalian species, which suggests that this missense change does not adversely affect protein function. In summary, the available evidence is currently insufficient to determine the role of this variant in disease. Therefore, it has been classified as a Variant of Uncertain Significance.